The following is an entry in ClinVar:

NM_007294.4(BRCA1):c.3713del (p.Pro1238fs)

Genes: BRCA1 (BRCA1 DNA repair associated; minus strand), LOC126862571 (BRD4-independent group 4 enhancer GRCh37_chr17:41243136-41244335; plus strand). Cytogenetic location: 17q21.31.
Variant type: Deletion.
Coding change: c.3713del on transcript NM_007294.4 (MANE Select); coding-DNA position 3713, one base deleted (C; older notation c.3713delC).
Protein change: p.Pro1238fs; shifts the reading frame from proline 1238.
Molecular consequence: frameshift variant. On other transcripts: intron variant (135).
Genome position (GRCh38, 1-based): chr17:43,091,818, G deleted on the plus strand (C on the coding strand, the reverse complement: BRCA1 is on the minus strand); the first of 2 consecutive G bases (chr17:43,091,818-43,091,819); deleting either gives the same sequence. VCF-style (leftmost placement, unchanged base first): chr17-43091817-AG-A. GRCh37 (hg19) VCF-style: chr17-41243834-AG-A.
Other names: c.3500del, p.Pro1167fs (NM_001407898.1, NM_001407899.1, NM_001407915.1 and 9 more transcripts); c.3503del, p.Pro1168fs (NM_001407900.1, NM_001407902.1, NM_001407904.1 and 13 more transcripts); c.3590del, p.Pro1197fs (NM_001407919.1, NM_001407937.1, NM_001407938.1 and 19 more transcripts); c.3449del, p.Pro1150fs (NM_001407920.1, NM_001407921.1, NM_001407922.1 and 9 more transcripts); c.3446del, p.Pro1149fs (NM_001407930.1, NM_001407931.1, NM_001407932.1 and 2 more transcripts); c.3587del, p.Pro1196fs (NM_001407940.1, NM_001407941.1, NM_001407649.1 and 11 more transcripts); c.3572del, p.Pro1191fs (NM_001407942.1, NM_001407944.1, NM_001407945.1 and 29 more transcripts); c.3569del, p.Pro1190fs (NM_001407943.1, NM_001407964.1, NM_001407740.1 and 20 more transcripts); and 42 more; short protein forms P1191fs, P1238fs, P1111fs, P1171fs, P1237fs, P1070fs, P1149fs, P1150fs.
Identifiers: ClinVar variation 1734222 (VCV001734222.3), dbSNP rs2552139542, ClinGen allele CA2580093795.

ClinVar aggregate classification (germline): Pathogenic (1 of 4 stars; one submission).

Conditions:
Hereditary cancer-predisposing syndrome. Also called: Neoplastic Syndromes, Hereditary; Tumor predisposition; Hereditary Cancer Syndrome; Hereditary neoplastic syndrome. Identifiers: Orphanet 140162, MedGen C0027672, MeSH D009386, MONDO:0015356.

Submission:

Ambry Genetics
Classification: Pathogenic for Hereditary cancer-predisposing syndrome. Last evaluated: 2024-05-14. Review status: criteria provided, single submitter. Criteria: Ambry Variant Classification Scheme 2023. Collection method: clinical testing. Allele origin: germline.
Comment: The c.3713delC pathogenic mutation, located in coding exon 9 of the BRCA1 gene, results from a deletion of one nucleotide at nucleotide position 3713, causing a translational frameshift with a predicted alternate stop codon (p.P1238Lfs*26). This variant is considered to be rare based on population cohorts in the Genome Aggregation Database (gnomAD). This alteration is expected to result in loss of function by premature protein truncation or nonsense-mediated mRNA decay. As such, this alteration is interpreted as a disease-causing mutation.